The following is an entry in ClinVar:

ClinVar aggregate classification (germline): Uncertain significance (1 of 4 stars; one submission).

Conditions:
Norman-Roberts syndrome (LIS2). Also called: Lissencephaly 2 (Norman-Roberts type). Identifiers: Orphanet 89844, MedGen C0796089, MONDO:0009760, OMIM 257320.
Familial temporal lobe epilepsy 7. Identifiers: Orphanet 101046, MedGen C4225327, MONDO:0014639, OMIM 616436.

Submission:

Labcorp Genetics (formerly Invitae), Labcorp
Classification: Uncertain significance for Familial temporal lobe epilepsy 7; Norman-Roberts syndrome. Last evaluated: 2023-06-14. Review status: criteria provided, single submitter. Criteria: Invitae Variant Classification Sherloc (09022015). Collection method: clinical testing. Allele origin: germline.
Comment: ClinVar contains an entry for this variant (Variation ID: 1997445). In summary, the available evidence is currently insufficient to determine the role of this variant in disease. Therefore, it has been classified as a Variant of Uncertain Significance. Advanced modeling of protein sequence and biophysical properties (such as structural, functional, and spatial information, amino acid conservation, physicochemical variation, residue mobility, and thermodynamic stability) has been performed at Invitae for this missense variant, however the output from this modeling did not meet the statistical confidence thresholds required to predict the impact of this variant on RELN protein function. This variant has not been reported in the literature in individuals affected with RELN-related conditions. This variant is not present in population databases (gnomAD no frequency). This sequence change replaces arginine, which is basic and polar, with serine, which is neutral and polar, at codon 1847 of the RELN protein (p.Arg1847Ser).

NM_005045.4(RELN):c.5541G>T (p.Arg1847Ser)

Gene: RELN (reelin; minus strand). Cytogenetic location: 7q22.1.
Variant type: single nucleotide variant.
Coding change: c.5541G>T on transcript NM_005045.4 (MANE Select); coding-DNA position 5541, G replaced by T.
Protein change: p.Arg1847Ser; replaces arginine 1847 with serine.
Molecular consequence: missense variant.
Genome position (GRCh38, 1-based): chr7:103,558,038, C>A on the plus strand (G>T on the coding strand, the complement: RELN is on the minus strand). VCF-style: chr7-103558038-C-A. GRCh37 (hg19) VCF-style: chr7-103198485-C-A.
Other names: c.5541G>T, p.Arg1847Ser (NM_173054.3); short protein forms R1847S.
Identifiers: ClinVar variation 1997445 (VCV001997445.4), dbSNP rs2484727933, ClinGen allele CA368742663.